The following is an entry in ClinVar:

ClinVar aggregate classification (germline): Uncertain significance. Review status: criteria provided, single submitter (1 of 4 stars). 2 submissions from 2 submitters: Uncertain significance (1). 1 of the submissions does not count toward it. Last evaluated 2025-01-15.

Conditions:
SEMA3F-related disorder. Also called: SEMA3F-related condition.

gnomAD v4.1: 26 of 1,613,722 alleles (0.0016%); highest among the groups gnomAD compares: Middle Eastern, 0.016%; no homozygotes.

Submissions (2):

Ambry Genetics
Classification: Uncertain significance. Last evaluated: 2025-01-15. Review status: criteria provided, single submitter. Criteria: Ambry Variant Classification Scheme 2023. Collection method: clinical testing. Allele origin: germline.

PreventionGenetics, part of Exact Sciences
Classification: Uncertain significance for SEMA3F-related condition. Last evaluated: 2024-07-25. Review status: no assertion criteria provided. Collection method: clinical testing. Allele origin: germline. Not counted in ClinVar's aggregate classification.
Comment: The SEMA3F c.1232C>T variant is predicted to result in the amino acid substitution p.Thr411Met. To our knowledge, this variant has not been reported in the literature. This variant is reported in 0.012% of alleles in individuals of African descent in gnomAD. At this time, the clinical significance of this variant is uncertain due to the absence of conclusive functional and genetic evidence.

NM_004186.5(SEMA3F):c.1232C>T (p.Thr411Met)

Gene: SEMA3F (semaphorin 3F; plus strand). Cytogenetic location: 3p21.31.
Variant type: single nucleotide variant.
Coding change: c.1232C>T on transcript NM_004186.5 (MANE Select); coding-DNA position 1232, C replaced by T.
Protein change: p.Thr411Met; replaces threonine 411 with methionine.
Molecular consequence: missense variant.
Genome position (GRCh38, 1-based): chr3:50,183,563, C>T. VCF-style: chr3-50183563-C-T. GRCh37 (hg19) VCF-style: chr3-50220996-C-T.
Other names: c.935C>T, p.Thr312Met (NM_001318798.2); c.1139C>T, p.Thr380Met (NM_001318800.2); c.1232C>T (NM_004186.3); short protein forms T312M, T380M, T411M.
Identifiers: ClinVar variation 3357672 (VCV003357672.2).